The following is an entry in ClinVar:

ClinVar aggregate classification (germline): Uncertain significance (1 of 4 stars; one submission).

Conditions:
Warts, hypogammaglobulinemia, infections, and myelokathexis. Also called: WHIM syndrome. Identifiers: MedGen C0472817, MONDO:0023880.

Submission:

Labcorp Genetics (formerly Invitae), Labcorp
Classification: Uncertain significance for Warts, hypogammaglobulinemia, infections, and myelokathexis. Last evaluated: 2022-10-27. Review status: criteria provided, single submitter. Criteria: Invitae Variant Classification Sherloc (09022015). Collection method: clinical testing. Allele origin: germline.
Comment: In summary, the available evidence is currently insufficient to determine the role of this variant in disease. Therefore, it has been classified as a Variant of Uncertain Significance. This variant has not been reported in the literature in individuals affected with CXCR4-related conditions. This variant is not present in population databases (gnomAD no frequency). This sequence change creates a premature translational stop signal (p.Val198Cysfs*93) in the CXCR4 gene. While this is not anticipated to result in nonsense mediated decay, it is expected to disrupt the last 155 amino acid(s) of the CXCR4 protein.

NM_003467.3(CXCR4):c.591del (p.Val198fs)

Gene: CXCR4 (C-X-C motif chemokine receptor 4; minus strand). Cytogenetic location: 2q22.1.
Variant type: Deletion.
Coding change: c.591del on transcript NM_003467.3 (MANE Select); coding-DNA position 591, one base deleted (T; older notation c.591delT).
Protein change: p.Val198fs; shifts the reading frame from valine 198.
Molecular consequence: frameshift variant.
Genome position (GRCh38, 1-based): chr2:136,115,337, A deleted on the plus strand (T on the coding strand, the reverse complement: CXCR4 is on the minus strand); the first of 2 consecutive A bases (chr2:136,115,337-136,115,338); deleting either gives the same sequence. VCF-style (leftmost placement, unchanged base first): chr2-136115336-CA-C. GRCh37 (hg19) VCF-style: chr2-136872906-CA-C.
Other names: c.603del, p.Val202fs (NM_001008540.2); c.804del, p.Val269fs (NM_001348056.2); c.690del, p.Val231fs (NM_001348059.2); c.546del, p.Val183fs (NM_001348060.2); short protein forms V183fs, V202fs, V269fs, V198fs, V231fs.
Identifiers: ClinVar variation 2809930 (VCV002809930.3), dbSNP rs2467264488, ClinGen allele CA2739271214.
Genomic context (GRCh38, chr2:136,115,336, plus strand): 5'-AGGACAGGATGACAATACCAGGCAGGATAAGGCCAACCATGATGTGCTGAAACTGGAACA[CA>C]ACCACCCACAAGTCATTGGGGTAGAAGCGGTCACAGATATATCTGTCATCTGCCTCACTG-3'